The following is an entry in ClinVar:

ClinVar aggregate classification (germline): Likely benign. Review status: criteria provided, multiple submitters, no conflicts (2 of 4 stars). 4 submissions from 4 submitters: Likely benign (4). Last evaluated 2025-07-07.

Conditions:
LAMA2-related muscular dystrophy (LAMA2-RD). Also called: Laminin alpha 2-related dystrophy. Identifiers: MedGen C5679788, MONDO:0100228.

Allele frequency attached by ClinVar (database versions not stated): gnomAD exomes 0.00003 and 0.00009; ExAC 0.00014; ESP Exome Variant Server 0.00015; 1000 Genomes Project 30x 0.00016; 1000 Genomes Project 0.00020; TOPMed 0.00031; gnomAD 0.00032 and 0.00034.
gnomAD v4.1: 95 of 1,613,796 alleles (0.0059%); highest among the groups gnomAD compares: African/African-American, 0.1%; no homozygotes.

Submissions (4):

Labcorp Genetics (formerly Invitae), Labcorp
Classification: Likely benign for LAMA2-related muscular dystrophy. Last evaluated: 2025-07-07. Review status: criteria provided, single submitter. Criteria: Invitae Variant Classification Sherloc (09022015). Collection method: clinical testing. Allele origin: germline.

Blueprint Genetics
Classification: Likely benign. Last evaluated: 2024-11-08. Review status: criteria provided, single submitter. Criteria: ACMG Guidelines, 2015. Collection method: clinical testing. Allele origin: germline.

Athena Diagnostics
Classification: Likely benign. Last evaluated: 2024-09-25. Review status: criteria provided, single submitter. Criteria: Athena Diagnostics Criteria. Collection method: clinical testing. Allele origin: unknown.

GeneDx
Classification: Likely benign. Last evaluated: 2018-03-09. Review status: criteria provided, single submitter. Criteria: GeneDx Variant Classification (06012015). Collection method: clinical testing. Allele origin: germline. Affected: yes.
Comment: This variant is considered likely benign or benign based on one or more of the following criteria: it is a conservative change, it occurs at a poorly conserved position in the protein, it is predicted to be benign by multiple in silico algorithms, and/or has population frequency not consistent with disease.

NM_000426.4(LAMA2):c.4740C>A (p.Gly1580=)

Gene: LAMA2 (laminin subunit alpha 2; plus strand). Cytogenetic location: 6q22.33.
Variant type: single nucleotide variant.
Coding change: c.4740C>A on transcript NM_000426.4 (MANE Select); coding-DNA position 4740, C replaced by A.
Protein change: p.Gly1580=; no amino-acid change (glycine 1580 retained).
Molecular consequence: synonymous variant.
Genome position (GRCh38, 1-based): chr6:129,366,241, C>A. VCF-style: chr6-129366241-C-A. GRCh37 (hg19) VCF-style: chr6-129687386-C-A.
Other names: c.4740C>A, p.Gly1580= (NM_001079823.2).
Identifiers: ClinVar variation 507677 (VCV000507677.14), dbSNP rs371629354, ClinGen allele CA3993657.